The following is an entry in ClinVar:

ClinVar aggregate classification (germline): Pathogenic (1 of 4 stars; one submission).

Conditions:
Granulomatous disease, chronic, X-linked. Also called: GRANULOMATOUS DISEASE, CHRONIC, X-LINKED, SOMATIC MOSAIC; CYTOCHROME b-NEGATIVE GRANULOMATOUS DISEASE, CHRONIC, X-LINKED. Identifiers: Orphanet 379, MedGen C1844376, MONDO:0010600, OMIM 306400.

Submission:

Labcorp Genetics (formerly Invitae), Labcorp
Classification: Pathogenic for Granulomatous disease, chronic, X-linked. Last evaluated: 2023-04-06. Review status: criteria provided, single submitter. Criteria: Invitae Variant Classification Sherloc (09022015). Collection method: clinical testing. Allele origin: germline.
Comment: For these reasons, this variant has been classified as Pathogenic. This premature translational stop signal has been observed in individual(s) with chronic granulomatous disease (PMID: 8634410). This variant is not present in population databases (gnomAD no frequency). This sequence change creates a premature translational stop signal (p.Trp106*) in the CYBB gene. It is expected to result in an absent or disrupted protein product. Loss-of-function variants in CYBB are known to be pathogenic (PMID: 9585602, 20729109).

Literature cited by the submitters: PubMed 8634410; PubMed 9585602; PubMed 20729109.

NM_000397.4(CYBB):c.318G>A (p.Trp106Ter)

Gene: CYBB (cytochrome b-245 beta chain; plus strand). Cytogenetic location: Xp21.1.
Variant type: single nucleotide variant.
Coding change: c.318G>A on transcript NM_000397.4 (MANE Select); coding-DNA position 318, G replaced by A.
Protein change: p.Trp106Ter; replaces tryptophan 106 with a stop codon.
Molecular consequence: nonsense.
Genome position (GRCh38, 1-based): chrX:37,792,040, G>A. VCF-style: chrX-37792040-G-A. GRCh37 (hg19) VCF-style: chrX-37651293-G-A.
Other names: short protein forms W106*.
Identifiers: ClinVar variation 2737184 (VCV002737184.3), dbSNP rs2519198782, ClinGen allele CA412974288.
Genomic context (GRCh38, chrX:37,792,040, plus strand): 5'-CTCAACAAGAGTTCGAAGACAACTGGACAGGAATCTCACCTTTCATAAAATGGTGGCATG[G>A]ATGATTGCACTTCACTCTGGTAAGTTTATTAAAGAAAACTTGGAACCAGGGAGTTCCCTC-3'